The following is an entry in ClinVar:

NM_001122630.2(CDKN1C):c.608_611delinsGGG (p.Pro203fs)

Gene: CDKN1C (cyclin dependent kinase inhibitor 1C; minus strand). Cytogenetic location: 11p15.4.
Variant type: Indel.
Coding change: c.608_611delinsGGG on transcript NM_001122630.2 (MANE Select); coding-DNA positions 608 to 611, CGGC replaced by GGG.
Protein change: p.Pro203fs; shifts the reading frame from proline 203.
Molecular consequence: frameshift variant. On other transcripts: intron variant (1).
Genome position (GRCh38, 1-based): chr11:2,884,846-2,884,849, GCCG replaced by CCC on the plus strand (CGGC replaced by GGG on the coding strand, the reverse complement: CDKN1C is on the minus strand). VCF-style: chr11-2884846-GCCG-CCC. GRCh37 (hg19) VCF-style: chr11-2906076-GCCG-CCC.
Other names: c.608_611delinsGGG, p.Pro203fs (NM_001122631.2); c.641_644delinsGGG, p.Pro214fs (NM_001362474.2, LRG_533t1); c.255+353_255+356delinsGGG (NM_001362475.2); short protein forms P203fs, P214fs.
Identifiers: ClinVar variation 192357 (VCV000192357.2), dbSNP rs786205240, ClinGen allele CA274882.

ClinVar aggregate classification (germline): Pathogenic (0 of 4 stars; one submission).

Conditions:
Beckwith-Wiedemann syndrome (BWS). Also called: Exomphalos macroglossia gigantism syndrome; EMG SYNDROME. Identifiers: Orphanet 116, MedGen C0004903, MONDO:0007534, OMIM 130650.

Submission:

Centre de Recherche Saint Antoine,  Université Pierre et Marie Curie
Classification: Pathogenic for Beckwith-Wiedemann syndrome. Review status: no assertion criteria provided. Collection method: not provided. Allele origin: unknown.
ClinVar note: Converted during submission from pathogenic to Pathogenic.